The following is an entry in ClinVar:

ClinVar aggregate classification (germline): Uncertain significance. Review status: criteria provided, multiple submitters, no conflicts (2 of 4 stars). 2 submissions from 2 submitters: Uncertain significance (2). Last evaluated 2025-11-07.

Conditions:
MHC class II deficiency. Also called: Bare lymphocyte syndrome 2; BLS, TYPE II. Identifiers: Orphanet 572, MedGen C5447452, MONDO:0008855.
Inborn genetic diseases. Identifiers: MedGen C0950123, MeSH D030342.

Allele frequency attached by ClinVar (database versions not stated): TOPMed 0.00002; gnomAD 0.00003; gnomAD exomes 0.00008; ExAC 0.00012.
gnomAD v4.1: 92 of 1,613,974 alleles (0.0057%); highest among the groups gnomAD compares: Non-Finnish European, 0.0066%; no homozygotes.

Submissions (2):

Ambry Genetics
Classification: Uncertain significance for Inborn genetic diseases. Last evaluated: 2025-11-07. Review status: criteria provided, single submitter. Criteria: Ambry Variant Classification Scheme 2023. Collection method: clinical testing. Allele origin: germline.

Labcorp Genetics (formerly Invitae), Labcorp
Classification: Uncertain significance for MHC class II deficiency. Last evaluated: 2022-06-03. Review status: criteria provided, single submitter. Criteria: Invitae Variant Classification Sherloc (09022015). Collection method: clinical testing. Allele origin: germline.
Comment: This sequence change replaces proline, which is neutral and non-polar, with serine, which is neutral and polar, at codon 256 of the RFXANK protein (p.Pro256Ser). This variant is present in population databases (rs759707164, gnomAD 0.01%). This variant has not been reported in the literature in individuals affected with RFXANK-related conditions. ClinVar contains an entry for this variant (Variation ID: 651963). Algorithms developed to predict the effect of missense changes on protein structure and function (SIFT, PolyPhen-2, Align-GVGD) all suggest that this variant is likely to be tolerated. In summary, the available evidence is currently insufficient to determine the role of this variant in disease. Therefore, it has been classified as a Variant of Uncertain Significance.

NM_003721.4(RFXANK):c.766C>T (p.Pro256Ser)

Genes: RFXANK (regulatory factor X associated ankyrin containing protein; plus strand), NR2C2AP (nuclear receptor 2C2 associated protein; minus strand). Cytogenetic location: 19p13.11.
Variant type: single nucleotide variant.
Coding change: c.766C>T on transcript NM_003721.4 (MANE Select); coding-DNA position 766, C replaced by T.
Protein change: p.Pro256Ser; replaces proline 256 with serine.
Molecular consequence: missense variant. On other transcripts: 3 prime UTR variant (1), intron variant (1).
Genome position (GRCh38, 1-based): chr19:19,201,702, C>T. VCF-style: chr19-19201702-C-T. GRCh37 (hg19) VCF-style: chr19-19312511-C-T.
Other names: c.*223G>A (NM_176880.6); c.700C>T, p.Pro234Ser (NM_001278727.2, NM_001370234.1); c.697C>T, p.Pro233Ser (NM_001278728.2, NM_134440.3); c.766C>T, p.Pro256Ser (NM_001370233.1); c.763C>T, p.Pro255Ser (NM_001370235.1, NM_001370236.1); c.838C>T, p.Pro280Ser (NM_001370237.1); c.841C>T, p.Pro281Ser (NM_001370238.1); c.415-139G>A (NM_001300945.2); short protein forms P234S, P256S, P280S, P281S, P233S, P255S.
Identifiers: ClinVar variation 651963 (VCV000651963.7), dbSNP rs759707164, ClinGen allele CA9322954.